The following is an entry in ClinVar:

ClinVar aggregate classification (germline): Conflicting classifications of pathogenicity. Review status: criteria provided, conflicting classifications (1 of 4 stars). 4 submissions from 4 submitters: Likely pathogenic (3); Uncertain significance (1). Last evaluated 2026-04-14.

Conditions:
Familial intrahepatic cholestasis. Identifiers: Orphanet 284385, MedGen CN296401, MONDO:0017290.
Low phospholipid associated cholelithiasis (GBD1). Also called: Gallbladder disease 1; Gallstone cholecystitis. Identifiers: Orphanet 69663, MedGen C2609268, MONDO:0010939, OMIM 600803.
ABCB4-related disorder. Also called: ABCB4-related disorders; ABCB4-related condition.

Submissions (4):

Genomenon, Inc
Classification: Likely pathogenic for Familial intrahepatic cholestasis; Low phospholipid associated cholelithiasis. Last evaluated: 2026-04-14. Review status: criteria provided, single submitter. Criteria: Genomenon Sequence Variant Interpretation Standards - Updated. Collection method: curation. Allele origin: germline. Affected: yes.
Comment: ABCB4 p.Gly535Asp (c.1604G>A) is a missense variant that changes the amino acid at residue 535 from Glycine to Aspartic acid. This variant has been observed in at least one proband with an ABCB4-related disorder (PMID:38610052;12671900). The variant was found to segregate with disease in at least one affected family (PMID:12671900). At least one functional study has demonstrated a substantial alteration in protein function relative to the wild-type (PMID:28220208;28012258). It is absent or not present at a significant frequency in gnomAD. In silico models predict that this variant is possibly or probably damaging. In conclusion, we classify ABCB4 p.Gly535Asp (c.1604G>A) as a likely pathogenic variant.

PreventionGenetics, part of Exact Sciences
Classification: Likely pathogenic for ABCB4-related condition. Last evaluated: 2025-02-20. Review status: criteria provided, single submitter. Criteria: ACMG Guidelines, 2015. Collection method: clinical testing. Allele origin: germline.
Comment: The ABCB4 c.1604G>A variant is predicted to result in the amino acid substitution p.Gly535Asp. This variant has also been reported in the heterozygous state an individual with low phospholipid associated cholelithiasis (LPAC, Supplemental Table 2, Cao et al. 2024. PubMed ID: 38610052). The p.Gly535 amino acid is located within the highly conserved LSGGQ signature sequence, which is involved in ATP binding and hydrolysis (Delaunay et al. 2016. PubMed ID: 28012258) and in a functional study the p.Gly535Asp substitution was reported to compromise ABCB4 transporter activity (Andress and McGeoghan. 2017. PubMed ID: 28220208). This variant has not been reported in a large population database (gnomAD), indicating this variant is rare. This variant is interpreted as likely pathogenic.

Women's Health and Genetics/Laboratory Corporation of America, LabCorp
Classification: Uncertain significance. Last evaluated: 2024-09-20. Review status: criteria provided, single submitter. Criteria: LabCorp Variant Classification Summary - May 2015. Collection method: clinical testing. Allele origin: germline.
Comment: Variant summary: ABCB4 c.1604G>A (p.Gly535Asp) results in a non-conservative amino acid change located in the ABC transporter-like, ATP-binding domain (IPR003439) of the encoded protein sequence. Five of five in-silico tools predict a damaging effect of the variant on protein function. The variant was absent in 251336 control chromosomes. c.1604G>A has been reported in the literature in heterozygous individuals affected with Cholestasis, Intrahepatic, Of Pregnancy, 3, as well as an individual with low phospholipid associated cholelithiasis (Lucena_2003, Cao_2024). These data do not allow any conclusion about variant significance. At least one publication reports experimental evidence evaluating an impact on protein function. The most pronounced variant effect results in significantly reduced phosphatidylcholine (PC) secretion in transfected cells (Delaunay_2017, Andress_2017). The following publications have been ascertained in the context of this evaluation (PMID: 28220208, 38610052, 28012258, 12671900). No submitters have cited clinical-significance assessments for this variant to ClinVar. Based on the evidence outlined above, the variant was classified as VUS-possibly pathogenic.

Blueprint Genetics
Classification: Likely pathogenic for ABCB4-related disorders. Last evaluated: 2017-11-20. Review status: criteria provided, single submitter. Criteria: ACMG Guidelines, 2015. Collection method: clinical testing. Allele origin: germline. Affected: yes. Observed: 1 variant allele.

Literature cited by the submitters: PubMed 38610052 (cited by Genomenon, Inc and Women's Health and Genetics/Laboratory Corporation of America, LabCorp); PubMed 12671900 (cited by Genomenon, Inc and Women's Health and Genetics/Laboratory Corporation of America, LabCorp); PubMed 28220208 (cited by Genomenon, Inc and Women's Health and Genetics/Laboratory Corporation of America, LabCorp); PubMed 28012258 (cited by Genomenon, Inc and Women's Health and Genetics/Laboratory Corporation of America, LabCorp).

NM_000443.4(ABCB4):c.1604G>A (p.Gly535Asp)

Gene: ABCB4 (ATP binding cassette subfamily B member 4; minus strand). Cytogenetic location: 7q21.12.
Variant type: single nucleotide variant.
Coding change: c.1604G>A on transcript NM_000443.4 (MANE Select); coding-DNA position 1604, G replaced by A.
Protein change: p.Gly535Asp; replaces glycine 535 with aspartic acid.
Molecular consequence: missense variant.
Genome position (GRCh38, 1-based): chr7:87,439,794, C>T on the plus strand (G>A on the coding strand, the complement: ABCB4 is on the minus strand). VCF-style: chr7-87439794-C-T. GRCh37 (hg19) VCF-style: chr7-87069110-C-T.
Other names: c.1604G>A (NM_000443.3); c.1604G>A, p.Gly535Asp (NM_018849.3, NM_018850.3); short protein forms G535D.
Identifiers: ClinVar variation 3375329 (VCV003375329.4).